The following is an entry in ClinVar:

NM_000302.4(PLOD1):c.1593G>A (p.Lys531=)

Gene: PLOD1 (procollagen-lysine,2-oxoglutarate 5-dioxygenase 1; plus strand). Cytogenetic location: 1p36.22.
Variant type: single nucleotide variant.
Coding change: c.1593G>A on transcript NM_000302.4 (MANE Select); coding-DNA position 1593, G replaced by A.
Protein change: p.Lys531=; no amino-acid change (lysine 531 retained).
Molecular consequence: synonymous variant.
Genome position (GRCh38, 1-based): chr1:11,966,259, G>A. VCF-style: chr1-11966259-G-A. GRCh37 (hg19) VCF-style: chr1-12026316-G-A.
Other names: c.1734G>A, p.Lys578= (NM_001316320.2).
Identifiers: ClinVar variation 3389663 (VCV003389663.14).

ClinVar aggregate classification (germline): Uncertain significance (1 of 4 stars; one submission).

gnomAD v4.1: 1 of 1,605,812 alleles (0.000062%); no homozygotes.

Submission:

CeGaT Center for Human Genetics Tuebingen
Classification: Uncertain significance. Last evaluated: 2024-09-01. Review status: criteria provided, single submitter. Criteria: CeGaT Center For Human Genetics Tuebingen Variant Classification Criteria Version 2. Collection method: clinical testing. Allele origin: germline. Affected: yes. Observed: 1 variant allele.
Comment: PLOD1: PM2, BP4